The following is an entry in ClinVar:

ClinVar aggregate classification (germline): Uncertain significance (1 of 4 stars; one submission).

Conditions:
Aortic aneurysm, familial thoracic 7 (AAT7). Also called: AORTIC DISSECTION, FAMILIAL, WITH OR WITHOUT AORTIC ANEURYSM. Identifiers: MedGen C3151077, MONDO:0013418, OMIM 613780.

Allele frequency attached by ClinVar (database versions not stated): gnomAD exomes 0.00001.
gnomAD v4.1: 3 of 1,614,080 alleles (0.00019%); highest among the groups gnomAD compares: East Asian, 0.0067%; no homozygotes.

Submission:

Labcorp Genetics (formerly Invitae), Labcorp
Classification: Uncertain significance for Aortic aneurysm, familial thoracic 7. Last evaluated: 2023-01-26. Review status: criteria provided, single submitter. Criteria: Invitae Variant Classification Sherloc (09022015). Collection method: clinical testing. Allele origin: germline.
Comment: This variant has not been reported in the literature in individuals affected with MYLK-related conditions. This variant is not present in population databases (gnomAD no frequency). This sequence change replaces glutamic acid, which is acidic and polar, with alanine, which is neutral and non-polar, at codon 1790 of the MYLK protein (p.Glu1790Ala). Algorithms developed to predict the effect of missense changes on protein structure and function are either unavailable or do not agree on the potential impact of this missense change (SIFT: "Tolerated"; PolyPhen-2: "Probably Damaging"; Align-GVGD: "Class C0"). In summary, the available evidence is currently insufficient to determine the role of this variant in disease. Therefore, it has been classified as a Variant of Uncertain Significance.

NM_053025.4(MYLK):c.5369A>C (p.Glu1790Ala)

Genes: MYLK (myosin light chain kinase; minus strand), MYLK-AS1 (MYLK antisense RNA 1; plus strand). Cytogenetic location: 3q21.1.
Variant type: single nucleotide variant.
Coding change: c.5369A>C on transcript NM_053025.4 (MANE Select); coding-DNA position 5369, A replaced by C.
Protein change: p.Glu1790Ala; replaces glutamic acid 1790 with alanine.
Molecular consequence: missense variant. On other transcripts: intron variant (1).
Genome position (GRCh38, 1-based): chr3:123,618,770, T>G on the plus strand (A>C on the coding strand, the complement: MYLK is on the minus strand). VCF-style: chr3-123618770-T-G. GRCh37 (hg19) VCF-style: chr3-123337617-T-G.
Other names: c.4841A>C, p.Glu1614Ala (NM_001321309.2); c.5162A>C, p.Glu1721Ala (NM_053026.4); c.5216A>C, p.Glu1739Ala (NM_053027.4); c.5009A>C, p.Glu1670Ala (NM_053028.4); c.89A>C, p.Glu30Ala (NM_053032.4); c.89-3A>C (NM_053031.4); short protein forms E1721A, E1614A, E1670A, E30A, E1739A, E1790A.
Identifiers: ClinVar variation 2832074 (VCV002832074.3), dbSNP rs2472834201, ClinGen allele CA354231237.